The following is an entry in ClinVar:

NM_203290.4(POLR1C):c.164A>G (p.His55Arg)

Gene: POLR1C (RNA polymerase I and III subunit C; plus strand). Cytogenetic location: 6p21.1.
Variant type: single nucleotide variant.
Coding change: c.164A>G on transcript NM_203290.4 (MANE Select); coding-DNA position 164, A replaced by G.
Protein change: p.His55Arg; replaces histidine 55 with arginine.
Molecular consequence: missense variant.
Genome position (GRCh38, 1-based): chr6:43,519,355, A>G. VCF-style: chr6-43519355-A-G. GRCh37 (hg19) VCF-style: chr6-43487093-A-G.
Other names: c.164A>G, p.His55Arg (NM_001318876.2, NM_001363658.2); short protein forms H55R.
Identifiers: ClinVar variation 1487438 (VCV001487438.5), dbSNP rs919437421, ClinGen allele CA138322638.

ClinVar aggregate classification (germline): Uncertain significance (1 of 4 stars; one submission).

Allele frequency attached by ClinVar (database versions not stated): gnomAD exomes below 0.00001.

Submission:

Labcorp Genetics (formerly Invitae), Labcorp
Classification: Uncertain significance. Last evaluated: 2024-04-18. Review status: criteria provided, single submitter. Criteria: Invitae Variant Classification Sherloc (09022015). Collection method: clinical testing. Allele origin: germline.
Comment: This sequence change replaces histidine, which is basic and polar, with arginine, which is basic and polar, at codon 55 of the POLR1C protein (p.His55Arg). This variant is present in population databases (no rsID available, gnomAD 0.0009%). This variant has not been reported in the literature in individuals affected with POLR1C-related conditions. ClinVar contains an entry for this variant (Variation ID: 1487438). Advanced modeling of protein sequence and biophysical properties (such as structural, functional, and spatial information, amino acid conservation, physicochemical variation, residue mobility, and thermodynamic stability) performed at Invitae indicates that this missense variant is not expected to disrupt POLR1C protein function with a negative predictive value of 80%. In summary, the available evidence is currently insufficient to determine the role of this variant in disease. Therefore, it has been classified as a Variant of Uncertain Significance.